The following is an entry in ClinVar:

NM_003764.4(STX11):c.83C>A (p.Ser28Ter)

Gene: STX11 (syntaxin 11; plus strand). Cytogenetic location: 6q24.2.
Variant type: single nucleotide variant.
Coding change: c.83C>A on transcript NM_003764.4 (MANE Select); coding-DNA position 83, C replaced by A.
Protein change: p.Ser28Ter; replaces serine 28 with a stop codon.
Molecular consequence: nonsense.
Genome position (GRCh38, 1-based): chr6:144,186,710, C>A. VCF-style: chr6-144186710-C-A. GRCh37 (hg19) VCF-style: chr6-144507847-C-A.
Other names: short protein forms S28*.
Identifiers: ClinVar variation 1412986 (VCV001412986.7), dbSNP rs143547259, ClinGen allele CA4031613.

ClinVar aggregate classification (germline): Pathogenic/Likely pathogenic. Review status: criteria provided, multiple submitters, no conflicts (2 of 4 stars). 2 submissions from 2 submitters: Pathogenic (1); Likely pathogenic (1). Last evaluated 2024-01-29.

Conditions:
Familial hemophagocytic lymphohistiocytosis 4 (FHL4). Also called: STX11-Related Familial Hemophagocytic Lymphohistiocytosis (STX11-fHLH). Identifiers: Orphanet 540, MedGen C1863728, MONDO:0011336, OMIM 603552.

gnomAD v4.1: 2 of 1,614,196 alleles (0.00012%); highest among the groups gnomAD compares: Admixed American, 0.0033%; no homozygotes.

Submissions (2):

Labcorp Genetics (formerly Invitae), Labcorp
Classification: Pathogenic for Familial hemophagocytic lymphohistiocytosis 4. Last evaluated: 2024-01-29. Review status: criteria provided, single submitter. Criteria: Invitae Variant Classification Sherloc (09022015). Collection method: clinical testing. Allele origin: germline.
Comment: This sequence change creates a premature translational stop signal (p.Ser28*) in the STX11 gene. While this is not anticipated to result in nonsense mediated decay, it is expected to disrupt the last 260 amino acid(s) of the STX11 protein. This variant is present in population databases (rs143547259, gnomAD 0.006%). This variant has not been reported in the literature in individuals affected with STX11-related conditions. ClinVar contains an entry for this variant (Variation ID: 1412986). This variant disrupts a region of the STX11 protein in which other variant(s) (p.Leu58Pro) have been determined to be pathogenic (PMID: 24459464, 26004995; Invitae). This suggests that this is a clinically significant region of the protein, and that variants that disrupt it are likely to be disease-causing. For these reasons, this variant has been classified as Pathogenic.

Baylor Genetics
Classification: Likely pathogenic for Familial hemophagocytic lymphohistiocytosis 4. Last evaluated: 2023-04-28. Review status: criteria provided, single submitter. Criteria: ACMG Guidelines, 2015. Collection method: clinical testing. Allele origin: unknown.

Literature cited by the submitters: PubMed 24459464 (cited by Labcorp Genetics (formerly Invitae), Labcorp); PubMed 26004995 (cited by Labcorp Genetics (formerly Invitae), Labcorp).